The following is an entry in ClinVar:

ClinVar aggregate classification (germline): Likely benign. Review status: criteria provided, multiple submitters, no conflicts (2 of 4 stars). 2 submissions from 2 submitters: Likely benign (2). Last evaluated 2026-01-12.

Conditions:
DHX32-related condition.

Allele frequency attached by ClinVar (database versions not stated): gnomAD exomes 0.00036; ExAC 0.00045; gnomAD 0.00145 and 0.00160; 1000 Genomes Project 30x 0.00156; 1000 Genomes Project 0.00160; TOPMed 0.00165; ESP Exome Variant Server 0.00185.
gnomAD v4.1: 417 of 1,614,174 alleles (0.026%); highest among the groups gnomAD compares: African/African-American, 0.5%; no homozygotes.

Submissions (2):

Labcorp Genetics (formerly Invitae), Labcorp
Classification: Likely benign. Last evaluated: 2026-01-12. Review status: criteria provided, single submitter. Criteria: Invitae Variant Classification Sherloc (09022015). Collection method: clinical testing. Allele origin: germline.

PreventionGenetics, part of Exact Sciences
Classification: Likely benign for DHX32-related condition. Last evaluated: 2024-11-17. Review status: criteria provided, single submitter. Criteria: ACMG Guidelines, 2015. Collection method: clinical testing. Allele origin: germline.
Comment: This variant is classified as likely benign based on ACMG/AMP sequence variant interpretation guidelines (Richards et al. 2015 PMID: 25741868, with internal and published modifications).

NM_018180.3(DHX32):c.108G>C (p.Glu36Asp)

Gene: DHX32 (DEAH-box helicase 32 (putative); minus strand). Cytogenetic location: 10q26.2.
Variant type: single nucleotide variant.
Coding change: c.108G>C on transcript NM_018180.3 (MANE Select); coding-DNA position 108, G replaced by C.
Protein change: p.Glu36Asp; replaces glutamic acid 36 with aspartic acid.
Molecular consequence: missense variant.
Genome position (GRCh38, 1-based): chr10:125,880,717, C>G on the plus strand (G>C on the coding strand, the complement: DHX32 is on the minus strand). VCF-style: chr10-125880717-C-G. GRCh37 (hg19) VCF-style: chr10-127569286-C-G.
Other names: c.108G>C (NM_018180.2); short protein forms E36D.
Identifiers: ClinVar variation 1586530 (VCV001586530.9), dbSNP rs139351747, ClinGen allele CA5739527.